The following is an entry in ClinVar:

NM_005188.4(CBL):c.1514A>C (p.Gln505Pro)

Gene: CBL (Cbl proto-oncogene; plus strand). Cytogenetic location: 11q23.3.
Variant type: single nucleotide variant.
Coding change: c.1514A>C on transcript NM_005188.4 (MANE Select); coding-DNA position 1514, A replaced by C.
Protein change: p.Gln505Pro; replaces glutamine 505 with proline.
Molecular consequence: missense variant.
Genome position (GRCh38, 1-based): chr11:119,285,051, A>C. VCF-style: chr11-119285051-A-C. GRCh37 (hg19) VCF-style: chr11-119155761-A-C.
Other names: short protein forms Q505P.
Identifiers: ClinVar variation 4868257 (VCV004868257.1).

ClinVar aggregate classification (germline): Uncertain significance (1 of 4 stars; one submission).

Conditions:
Cardiovascular phenotype. Identifiers: MedGen CN230736.

Submission:

Ambry Genetics
Classification: Uncertain significance for Cardiovascular phenotype. Last evaluated: 2026-05-14. Review status: criteria provided, single submitter. Criteria: Ambry Variant Classification Scheme 2023. Collection method: clinical testing. Allele origin: germline.
Comment: The p.Q505P variant (also known as c.1514A>C), located in coding exon 10 of the CBL gene, results from an A to C substitution at nucleotide position 1514. The glutamine at codon 505 is replaced by proline, an amino acid with similar properties. This amino acid position is conserved. In addition, this alteration is predicted to be tolerated by in silico analysis. Based on the available evidence, the clinical significance of this variant remains unclear.